The following is an entry in ClinVar:

ClinVar aggregate classification (germline): Uncertain significance (1 of 4 stars; one submission).

Conditions:
Dyskeratosis congenita. Identifiers: Orphanet 1775, MedGen C0265965, MONDO:0015780.

Allele frequency attached by ClinVar (database versions not stated): gnomAD 0.00001.
gnomAD v4.1: 1 of 1,610,468 alleles (0.000062%); highest among the groups gnomAD compares: Non-Finnish European, 0.000085%; no homozygotes.

Submission:

Ambry Genetics
Classification: Uncertain significance for Dyskeratosis congenita. Last evaluated: 2022-04-02. Review status: criteria provided, single submitter. Criteria: Ambry Variant Classification Scheme 2023. Collection method: clinical testing. Allele origin: germline.
Comment: The p.H876Y variant (also known as c.2626C>T), located in coding exon 10 of the TERT gene, results from a C to T substitution at nucleotide position 2626. The histidine at codon 876 is replaced by tyrosine, an amino acid with similar properties. This amino acid position is conserved. In addition, the in silico prediction for this alteration is inconclusive. Since supporting evidence is limited at this time, the clinical significance of this alteration remains unclear.

NM_198253.3(TERT):c.2626C>T (p.His876Tyr)

Gene: TERT (telomerase reverse transcriptase; minus strand). Cytogenetic location: 5p15.33.
Variant type: single nucleotide variant.
Coding change: c.2626C>T on transcript NM_198253.3 (MANE Select); coding-DNA position 2626, C replaced by T.
Protein change: p.His876Tyr; replaces histidine 876 with tyrosine.
Molecular consequence: missense variant. On other transcripts: non-coding transcript variant (2).
Genome position (GRCh38, 1-based): chr5:1,266,492, G>A on the plus strand (C>T on the coding strand, the complement: TERT is on the minus strand). VCF-style: chr5-1266492-G-A. GRCh37 (hg19) VCF-style: chr5-1266607-G-A.
Other names: c.2626C>T, p.His876Tyr (NM_001193376.3, NM_003219.1); short protein forms H876Y.
Identifiers: ClinVar variation 1794001 (VCV001794001.2), dbSNP rs1483412488, ClinGen allele CA359073196.